The following is an entry in ClinVar:

ClinVar aggregate classification (germline): Uncertain significance. Review status: criteria provided, multiple submitters, no conflicts (2 of 4 stars). 3 submissions from 3 submitters: Uncertain significance (3). Last evaluated 2024-12-26.

Conditions:
Hypertrophic cardiomyopathy. Also called: HYPERTROPHIC MYOCARDIOPATHY. Identifiers: Orphanet 217569, MedGen C0007194, MeSH D002312, MONDO:0005045, HP:0001639.

Allele frequency attached by ClinVar (database versions not stated): gnomAD exomes below 0.00001.
gnomAD v4.1: 2 of 1,609,422 alleles (0.00012%); highest among the groups gnomAD compares: Non-Finnish European, 0.00017%; no homozygotes.

Submissions (3):

GeneDx
Classification: Uncertain significance. Last evaluated: 2024-12-26. Review status: criteria provided, single submitter. Criteria: GeneDx Variant Classification Process June 2021. Collection method: clinical testing. Allele origin: germline. Affected: yes.
Comment: Not observed at significant frequency in large population cohorts (gnomAD); In silico analysis supports that this missense variant has a deleterious effect on protein structure/function; Has not been previously published as pathogenic or benign to our knowledge

All of Us Research Program, National Institutes of Health
Classification: Uncertain significance for Hypertrophic cardiomyopathy. Last evaluated: 2023-08-08. Review status: criteria provided, single submitter. Criteria: ACMG Guidelines, 2015. Collection method: clinical testing. Allele origin: germline. Inheritance: Autosomal dominant inheritance. Observed: 1 variant allele, 1 heterozygote.
Comment: This missense variant replaces leucine with arginine at codon 209 of the MYBPC3 protein. Computational prediction suggests that this variant may have deleterious impact on protein structure and function (internally defined REVEL score threshold >= 0.7, PMID: 27666373). To our knowledge, functional studies have not been reported for this variant. This variant has not been reported in individuals affected with MYBPC3-related disorders in the literature. This variant has not been identified in the general population by the Genome Aggregation Database (gnomAD). The available evidence is insufficient to determine the role of this variant in disease conclusively. Therefore, this variant is classified as a Variant of Uncertain Significance.

This study involves interpretation of variants in research participants for the purpose of population health screening. Participant phenotype was not available at the time of variant classification. Additional details can be found in publication PMID: 35346344, PMCID: PMC8962531

AiLife Diagnostics
Classification: Uncertain significance. Last evaluated: 2022-02-23. Review status: criteria provided, single submitter. Criteria: ACMG Guidelines, 2015. Collection method: clinical testing. Allele origin: germline. Affected: yes. Observed: 1 variant allele.

NM_000256.3(MYBPC3):c.626T>G (p.Leu209Arg)

Gene: MYBPC3 (myosin binding protein C3; minus strand). Cytogenetic location: 11p11.2.
Variant type: single nucleotide variant.
Coding change: c.626T>G on transcript NM_000256.3 (MANE Select); coding-DNA position 626, T replaced by G.
Protein change: p.Leu209Arg; replaces leucine 209 with arginine.
Molecular consequence: missense variant.
Genome position (GRCh38, 1-based): chr11:47,349,802, A>C on the plus strand (T>G on the coding strand, the complement: MYBPC3 is on the minus strand). VCF-style: chr11-47349802-A-C. GRCh37 (hg19) VCF-style: chr11-47371353-A-C.
Other names: short protein forms L209R.
Identifiers: ClinVar variation 1677975 (VCV001677975.3), dbSNP rs1595849592, ClinGen allele CA380337361.
Genomic context (GRCh38, chr11:47,349,802, plus strand): 5'-TCTCCGTGTCTCCACGACCCCGGTGGACCCACCTTGCTGGCGCGGTCGTAGCTGTCGTGC[A>C]GCTGCAGGTGCTGGCCCACCTTGCTGCTCAGGTCCACCCATTTGCCCTTGAACCACTTGA-3'
Protein context (NP_000247.2, residues 199-219): LSSKVGQHLQ[Leu209Arg]HDSYDRASKV